The following is an entry in ClinVar:

NM_005475.3(SH2B3):c.1678T>A (p.Ser560Thr)

Gene: SH2B3 (SH2B adaptor protein 3; plus strand). Cytogenetic location: 12q24.12.
Variant type: single nucleotide variant.
Coding change: c.1678T>A on transcript NM_005475.3 (MANE Select); coding-DNA position 1678, T replaced by A.
Protein change: p.Ser560Thr; replaces serine 560 with threonine.
Molecular consequence: missense variant.
Genome position (GRCh38, 1-based): chr12:111,448,252, T>A. VCF-style: chr12-111448252-T-A. GRCh37 (hg19) VCF-style: chr12-111886056-T-A.
Other names: c.1072T>A, p.Ser358Thr (NM_001291424.1); short protein forms S358T, S560T.
Identifiers: ClinVar variation 4864407 (VCV004864407.1).

ClinVar aggregate classification (germline): Uncertain significance (1 of 4 stars; one submission).

Conditions:
Inborn genetic diseases. Identifiers: MedGen C0950123, MeSH D030342.

Submission:

Ambry Genetics
Classification: Uncertain significance for Inborn genetic diseases. Last evaluated: 2026-04-05. Review status: criteria provided, single submitter. Criteria: Ambry Variant Classification Scheme 2023. Collection method: clinical testing. Allele origin: germline.
Comment: The p.S560T variant (also known as c.1678T>A), located in coding exon 7 of the SH2B3 gene, results from a T to A substitution at nucleotide position 1678. The serine at codon 560 is replaced by threonine, an amino acid with similar properties. This amino acid position is conserved. In addition, this alteration is predicted to be tolerated by in silico analysis. Based on the available evidence, the clinical significance of this variant remains unclear.